The following is an entry in ClinVar:

ClinVar aggregate classification (germline): Likely benign. Review status: criteria provided, multiple submitters, no conflicts (2 of 4 stars). 2 submissions from 2 submitters: Likely benign (2). Last evaluated 2025-11-02.

Conditions:
Developmental and epileptic encephalopathy, 42 (DEE42A). Also called: Epileptic encephalopathy, early infantile, 42; DEVELOPMENTAL AND EPILEPTIC ENCEPHALOPATHY 42A; EPILEPTIC ENCEPHALOPATHY, EARLY INFANTILE, 42A. Identifiers: MedGen C4310716, MONDO:0014917, OMIM 617106.
Episodic ataxia type 2 (EA2). Also called: ATAXIA, EPISODIC, WITH NYSTAGMUS; ATAXIA, FAMILIAL PAROXYSMAL; CEREBELLAR ATAXIA, PAROXYSMAL, ACETAZOLAMIDE-RESPONSIVE; CEREBELLOPATHY, HEREDITARY PAROXYSMAL; EPISODIC ATAXIA, NYSTAGMUS-ASSOCIATED; ACETAZOLAMIDE-RESPONSIVE HEREDITARY PAROXYSMAL CEREBELLAR ATAXIA. Identifiers: Orphanet 97, MedGen C1720416, MONDO:0007163, OMIM 108500.

Allele frequency attached by ClinVar (database versions not stated): gnomAD exomes below 0.00001.
gnomAD v4.1: 2 of 1,613,780 alleles (0.00012%); highest among the groups gnomAD compares: Admixed American, 0.0033%; no homozygotes.

Submissions (2):

Labcorp Genetics (formerly Invitae), Labcorp
Classification: Likely benign for Developmental and epileptic encephalopathy, 42; Episodic ataxia type 2. Last evaluated: 2025-11-02. Review status: criteria provided, single submitter. Criteria: Invitae Variant Classification Sherloc (09022015). Collection method: clinical testing. Allele origin: germline.

CeGaT Center for Human Genetics Tuebingen
Classification: Likely benign. Last evaluated: 2022-08-01. Review status: criteria provided, single submitter. Criteria: CeGaT Center For Human Genetics Tuebingen Variant Classification Criteria Version 2. Collection method: clinical testing. Allele origin: germline. Affected: yes. Observed: 1 variant allele.
Comment: CACNA1A: BP4, BP7

NM_001127222.2(CACNA1A):c.5295C>T (p.Leu1765=)

Gene: CACNA1A (calcium voltage-gated channel subunit alpha1 A; minus strand). Cytogenetic location: 19p13.13.
Variant type: single nucleotide variant.
Coding change: c.5295C>T on transcript NM_001127222.2 (MANE Select); coding-DNA position 5295, C replaced by T.
Protein change: p.Leu1765=; no amino-acid change (leucine 1765 retained).
Molecular consequence: synonymous variant.
Genome position (GRCh38, 1-based): chr19:13,231,815, G>A on the plus strand (C>T on the coding strand, the complement: CACNA1A is on the minus strand). VCF-style: chr19-13231815-G-A. GRCh37 (hg19) VCF-style: chr19-13342629-G-A.
Other names: c.5313C>T, p.Leu1771= (NM_000068.4, NM_023035.3); c.5298C>T, p.Leu1766= (NM_001127221.2); c.5304C>T, p.Leu1768= (NM_001174080.2).
Identifiers: ClinVar variation 2649384 (VCV002649384.25), dbSNP rs1227042358, ClinGen allele CA505657159.